The following is an entry in ClinVar:

ClinVar aggregate classification (germline): Uncertain significance. Review status: criteria provided, multiple submitters, no conflicts (2 of 4 stars). 2 submissions from 2 submitters: Uncertain significance (2). Last evaluated 2025-07-28.

Allele frequency attached by ClinVar (database versions not stated): ExAC 0.00001; gnomAD 0.00001; TOPMed 0.00001; gnomAD exomes 0.00002.

Submissions (2):

Labcorp Genetics (formerly Invitae), Labcorp
Classification: Uncertain significance. Last evaluated: 2025-07-28. Review status: criteria provided, single submitter. Criteria: Invitae Variant Classification Sherloc (09022015). Collection method: clinical testing. Allele origin: germline.
Comment: This sequence change replaces arginine, which is basic and polar, with histidine, which is basic and polar, at codon 495 of the SPTBN2 protein (p.Arg495His). This variant is present in population databases (rs769277232, gnomAD 0.01%). This variant has not been reported in the literature in individuals affected with SPTBN2-related conditions. ClinVar contains an entry for this variant (Variation ID: 1436288). Invitae Evidence Modeling of protein sequence and biophysical properties (such as structural, functional, and spatial information, amino acid conservation, physicochemical variation, residue mobility, and thermodynamic stability) indicates that this missense variant is not expected to disrupt SPTBN2 protein function with a negative predictive value of 80%. In summary, the available evidence is currently insufficient to determine the role of this variant in disease. Therefore, it has been classified as a Variant of Uncertain Significance.

Women's Health and Genetics/Laboratory Corporation of America, LabCorp
Classification: Uncertain significance. Last evaluated: 2024-06-20. Review status: criteria provided, single submitter. Criteria: LabCorp Variant Classification Summary - May 2015. Collection method: clinical testing. Allele origin: germline.
Comment: Variant summary: SPTBN2 c.1484G>A (p.Arg495His) results in a non-conservative amino acid change in the encoded protein sequence. Four of five in-silico tools predict a benign effect of the variant on protein function. The variant allele was found at a frequency of 2.1e-05 in 242362 control chromosomes. The available data on variant occurrences in the general population are insufficient to allow any conclusion about variant significance. To our knowledge, no occurrence of c.1484G>A in individuals affected with Spinocerebellar Ataxia 5 and no experimental evidence demonstrating its impact on protein function have been reported. ClinVar contains an entry for this variant (Variation ID: 1436288). Based on the evidence outlined above, the variant was classified as uncertain significance.

NM_006946.4(SPTBN2):c.1484G>A (p.Arg495His)

Gene: SPTBN2 (spectrin beta, non-erythrocytic 2; minus strand). Cytogenetic location: 11q13.2.
Variant type: single nucleotide variant.
Coding change: c.1484G>A on transcript NM_006946.4 (MANE Select); coding-DNA position 1484, G replaced by A.
Protein change: p.Arg495His; replaces arginine 495 with histidine.
Molecular consequence: missense variant.
Genome position (GRCh38, 1-based): chr11:66,707,685, C>T on the plus strand (G>A on the coding strand, the complement: SPTBN2 is on the minus strand). VCF-style: chr11-66707685-C-T. GRCh37 (hg19) VCF-style: chr11-66475156-C-T.
Other names: short protein forms R495H.
Identifiers: ClinVar variation 1436288 (VCV001436288.9), dbSNP rs769277232, ClinGen allele CA6129357.